The following is an entry in ClinVar:

ClinVar aggregate classification (germline): Uncertain significance (1 of 4 stars; one submission).

Conditions:
Inborn genetic diseases. Identifiers: MedGen C0950123, MeSH D030342.

gnomAD v4.1: 26 of 1,614,104 alleles (0.0016%); highest among the groups gnomAD compares: Non-Finnish European, 0.0019%; no homozygotes.

Submission:

Ambry Genetics
Classification: Uncertain significance for Inborn genetic diseases. Last evaluated: 2025-01-11. Review status: criteria provided, single submitter. Criteria: Ambry Variant Classification Scheme 2023. Collection method: clinical testing. Allele origin: germline.
Comment: The p.V108I variant (also known as c.322G>A), located in coding exon 2 of the ANKRD26 gene, results from a G to A substitution at nucleotide position 322. The valine at codon 108 is replaced by isoleucine, an amino acid with highly similar properties. This amino acid position is conserved. In addition, this alteration is predicted to be tolerated by in silico analysis. Based on the available evidence, the clinical significance of this variant remains unclear.

NM_014915.3(ANKRD26):c.322G>A (p.Val108Ile)

Gene: ANKRD26 (ankyrin repeat domain containing 26; minus strand). Cytogenetic location: 10p12.1.
Variant type: single nucleotide variant.
Coding change: c.322G>A on transcript NM_014915.3 (MANE Select); coding-DNA position 322, G replaced by A.
Protein change: p.Val108Ile; replaces valine 108 with isoleucine.
Molecular consequence: missense variant.
Genome position (GRCh38, 1-based): chr10:27,093,720, C>T on the plus strand (G>A on the coding strand, the complement: ANKRD26 is on the minus strand). VCF-style: chr10-27093720-C-T. GRCh37 (hg19) VCF-style: chr10-27382649-C-T.
Other names: c.322G>A, p.Val108Ile (NM_001256053.2); short protein forms V108I.
Identifiers: ClinVar variation 3869199 (VCV003869199.1).